The following is an entry in ClinVar:

ClinVar aggregate classification (germline): Uncertain significance. Review status: criteria provided, multiple submitters, no conflicts (2 of 4 stars). 3 submissions from 3 submitters: Uncertain significance (3). Last evaluated 2025-12-04.

Conditions:
Inborn genetic diseases. Identifiers: MedGen C0950123, MeSH D030342.
B4GALT1-congenital disorder of glycosylation. Also called: CONGENITAL DISORDER OF GLYCOSYLATION, TYPE IId; CDG IId; B4GALT1-CDG. Identifiers: Orphanet 79332, MedGen C2931009, MONDO:0011772, OMIM 607091.

Allele frequency attached by ClinVar (database versions not stated): gnomAD 0.00002 and 0.00003; TOPMed 0.00003; gnomAD exomes 0.00004 and 0.00009; ExAC 0.00007.

Submissions (3):

Ambry Genetics
Classification: Uncertain significance for Inborn genetic diseases. Last evaluated: 2025-12-04. Review status: criteria provided, single submitter. Criteria: Ambry Variant Classification Scheme 2023. Collection method: clinical testing. Allele origin: germline.

Labcorp Genetics (formerly Invitae), Labcorp
Classification: Uncertain significance. Last evaluated: 2022-08-23. Review status: criteria provided, single submitter. Criteria: Invitae Variant Classification Sherloc (09022015). Collection method: clinical testing. Allele origin: germline.
Comment: This sequence change replaces valine, which is neutral and non-polar, with isoleucine, which is neutral and non-polar, at codon 271 of the B4GALT1 protein (p.Val271Ile). This variant is present in population databases (rs750802296, gnomAD 0.02%). This variant has not been reported in the literature in individuals affected with B4GALT1-related conditions. ClinVar contains an entry for this variant (Variation ID: 1031989). Algorithms developed to predict the effect of missense changes on protein structure and function are either unavailable or do not agree on the potential impact of this missense change (SIFT: "Deleterious"; PolyPhen-2: "Probably Damaging"; Align-GVGD: "Class C0"). In summary, the available evidence is currently insufficient to determine the role of this variant in disease. Therefore, it has been classified as a Variant of Uncertain Significance.

Baylor Genetics
Classification: Uncertain significance for B4GALT1-congenital disorder of glycosylation. Last evaluated: 2018-01-13. Review status: criteria provided, single submitter. Criteria: ACMG Guidelines, 2015. Collection method: clinical testing. Allele origin: maternal. Affected: yes.
Comment: This variant was determined to be of uncertain significance according to ACMG Guidelines, 2015 [PMID:25741868].

NM_001497.4(B4GALT1):c.811G>A (p.Val271Ile)

Gene: B4GALT1 (beta-1,4-galactosyltransferase 1; minus strand). Cytogenetic location: 9p21.1.
Variant type: single nucleotide variant.
Coding change: c.811G>A on transcript NM_001497.4 (MANE Select); coding-DNA position 811, G replaced by A.
Protein change: p.Val271Ile; replaces valine 271 with isoleucine.
Molecular consequence: missense variant. On other transcripts: intron variant (1).
Genome position (GRCh38, 1-based): chr9:33,120,444, C>T on the plus strand (G>A on the coding strand, the complement: B4GALT1 is on the minus strand). VCF-style: chr9-33120444-C-T. GRCh37 (hg19) VCF-style: chr9-33120442-C-T.
Other names: c.772G>A, p.Val258Ile (NM_001378495.1); c.811G>A, p.Val271Ile (NM_001378496.1); c.648+14745G>A (NM_001378497.1); short protein forms V258I, V271I.
Identifiers: ClinVar variation 1031989 (VCV001031989.5), dbSNP rs750802296, ClinGen allele CA5023686.